The following is an entry in ClinVar:

NM_174916.3(UBR1):c.3219A>C (p.Ala1073=)

Gene: UBR1 (ubiquitin protein ligase E3 component n-recognin 1; minus strand). Cytogenetic location: 15q15.2.
Variant type: single nucleotide variant.
Coding change: c.3219A>C on transcript NM_174916.3 (MANE Select); coding-DNA position 3219, A replaced by C.
Protein change: p.Ala1073=; no amino-acid change (alanine 1073 retained).
Molecular consequence: synonymous variant.
Genome position (GRCh38, 1-based): chr15:43,007,275, T>G on the plus strand (A>C on the coding strand, the complement: UBR1 is on the minus strand). VCF-style: chr15-43007275-T-G. GRCh37 (hg19) VCF-style: chr15-43299473-T-G.
Identifiers: ClinVar variation 4535422 (VCV004535422.6).

ClinVar aggregate classification (germline): Likely benign (1 of 4 stars; one submission).

Submission:

CeGaT Center for Human Genetics Tuebingen
Classification: Likely benign. Last evaluated: 2025-11-01. Review status: criteria provided, single submitter. Criteria: CeGaT Center For Human Genetics Tuebingen Variant Classification Criteria Version 2. Collection method: clinical testing. Allele origin: germline. Affected: yes. Observed: 1 variant allele.
Comment: UBR1: PM2:Supporting, BP4, BP7